The following is an entry in ClinVar:

ClinVar aggregate classification (germline): Uncertain significance (1 of 4 stars; one submission).

Conditions:
Pitt-Hopkins-like syndrome 2 (PTHSL2). Identifiers: Orphanet 221150, Orphanet 600663, MedGen C3280479, MONDO:0013690, OMIM 614325.

Submission:

Labcorp Genetics (formerly Invitae), Labcorp
Classification: Uncertain significance for Pitt-Hopkins-like syndrome 2. Last evaluated: 2022-11-13. Review status: criteria provided, single submitter. Criteria: Invitae Variant Classification Sherloc (09022015). Collection method: clinical testing. Allele origin: germline.
Comment: This variant has not been reported in the literature in individuals affected with NRXN1-related conditions. In summary, the available evidence is currently insufficient to determine the role of this variant in disease. Therefore, it has been classified as a Variant of Uncertain Significance. Advanced modeling of protein sequence and biophysical properties (such as structural, functional, and spatial information, amino acid conservation, physicochemical variation, residue mobility, and thermodynamic stability) performed at Invitae indicates that this missense variant is not expected to disrupt NRXN1 protein function. This variant is not present in population databases (gnomAD no frequency). This sequence change replaces serine, which is neutral and polar, with glycine, which is neutral and non-polar, at codon 1210 of the NRXN1 protein (p.Ser1210Gly).

NM_001330078.2(NRXN1):c.3508A>G (p.Ser1170Gly)

Gene: NRXN1 (neurexin 1; minus strand). Cytogenetic location: 2p16.3.
Variant type: single nucleotide variant.
Coding change: c.3508A>G on transcript NM_001330078.2 (MANE Select); coding-DNA position 3508, A replaced by G.
Protein change: p.Ser1170Gly; replaces serine 1170 with glycine.
Molecular consequence: missense variant.
Genome position (GRCh38, 1-based): chr2:50,236,827, T>C on the plus strand (A>G on the coding strand, the complement: NRXN1 is on the minus strand). VCF-style: chr2-50236827-T-C. GRCh37 (hg19) VCF-style: chr2-50463965-T-C.
Other names: c.3628A>G, p.Ser1210Gly (NM_001135659.3); c.3484A>G, p.Ser1162Gly (NM_001330077.2, NM_001330082.2); c.3442A>G, p.Ser1148Gly (NM_001330083.2, NM_001330084.2); c.3481A>G, p.Ser1161Gly (NM_001330085.2); c.3508A>G, p.Ser1170Gly (NM_001330086.2, NM_004801.6); c.3397A>G, p.Ser1133Gly (NM_001330087.2, NM_001330096.2); c.3427A>G, p.Ser1143Gly (NM_001330088.2); c.403A>G, p.Ser135Gly (NM_001330091.2, NM_001330092.2, NM_001330097.2 and 1 more transcripts); and 3 more; short protein forms S1169G, S1210G, S135G, S1133G, S1143G, S1153G, S1162G, S1170G.
Identifiers: ClinVar variation 2814060 (VCV002814060.3), dbSNP rs2465538782, ClinGen allele CA346820850.